The following is an entry in ClinVar:

NM_032608.7(MYO18B):c.1228A>G (p.Ser410Gly)

Gene: MYO18B (myosin XVIIIB; plus strand). Cytogenetic location: 22q12.1.
Variant type: single nucleotide variant.
Coding change: c.1228A>G on transcript NM_032608.7 (MANE Select); coding-DNA position 1228, A replaced by G.
Protein change: p.Ser410Gly; replaces serine 410 with glycine.
Molecular consequence: missense variant.
Genome position (GRCh38, 1-based): chr22:25,769,144, A>G. VCF-style: chr22-25769144-A-G. GRCh37 (hg19) VCF-style: chr22-26165111-A-G.
Other names: c.1228A>G, p.Ser410Gly (NM_001318245.2); short protein forms S410G.
Identifiers: ClinVar variation 1394317 (VCV001394317.6), dbSNP rs2145588276, ClinGen allele CA411004413.

ClinVar aggregate classification (germline): Uncertain significance (1 of 4 stars; one submission).

Allele frequency attached by ClinVar (database versions not stated): gnomAD exomes below 0.00001.
gnomAD v4.1: 1 of 1,613,498 alleles (0.000062%); highest among the groups gnomAD compares: Non-Finnish European, 0.000085%; no homozygotes.

Submission:

Labcorp Genetics (formerly Invitae), Labcorp
Classification: Uncertain significance. Last evaluated: 2021-11-21. Review status: criteria provided, single submitter. Criteria: Invitae Variant Classification Sherloc (09022015). Collection method: clinical testing. Allele origin: germline.
Comment: In summary, the available evidence is currently insufficient to determine the role of this variant in disease. Therefore, it has been classified as a Variant of Uncertain Significance. Algorithms developed to predict the effect of missense changes on protein structure and function output the following: SIFT: "Not Available"; PolyPhen-2: "Benign"; Align-GVGD: "Not Available". The glycine amino acid residue is found in multiple mammalian species, which suggests that this missense change does not adversely affect protein function. This variant has not been reported in the literature in individuals affected with MYO18B-related conditions. This variant is not present in population databases (gnomAD no frequency). This sequence change replaces serine, which is neutral and polar, with glycine, which is neutral and non-polar, at codon 410 of the MYO18B protein (p.Ser410Gly).